The following is an entry in ClinVar:

ClinVar aggregate classification (germline): Uncertain significance (0 of 4 stars; one submission).

Submission:

Leiden Open Variation Database
Classification: Uncertain significance. Last evaluated: 2018-10-10. Review status: no assertion criteria provided. Collection method: curation. Allele origin: germline. Affected: yes.
Comment: Curators: Marc Tischkowitz, Arleen D. Auerbach. Submitter to LOVD: Yukihide Momozawa.

Literature cited by the submitters: PubMed 30287823.

NM_024675.4(PALB2):c.1783G>C (p.Asp595His)

Gene: PALB2 (partner and localizer of BRCA2; minus strand). Cytogenetic location: 16p12.2.
Variant type: single nucleotide variant.
Coding change: c.1783G>C on transcript NM_024675.4 (MANE Select); coding-DNA position 1783, G replaced by C.
Protein change: p.Asp595His; replaces aspartic acid 595 with histidine.
Molecular consequence: missense variant.
Genome position (GRCh38, 1-based): chr16:23,630,371, C>G on the plus strand (G>C on the coding strand, the complement: PALB2 is on the minus strand). VCF-style: chr16-23630371-C-G. GRCh37 (hg19) VCF-style: chr16-23641692-C-G.
Other names: short protein forms D595H.
Identifiers: ClinVar variation 830144 (VCV000830144.1), dbSNP rs1555460653, ClinGen allele CA395128126.